The following is an entry in ClinVar:

NM_001267550.2(TTN):c.80514del (p.Val26839fs)

Genes: TTN (titin; minus strand), TTN-AS1 (TTN antisense RNA 1; plus strand). Cytogenetic location: 2q31.2.
Variant type: Deletion.
Coding change: c.80514del on transcript NM_001267550.2 (MANE Select); coding-DNA position 80514, one base deleted (A; older notation c.80514delA).
Protein change: p.Val26839fs; shifts the reading frame from valine 26839.
Molecular consequence: frameshift variant.
Genome position (GRCh38, 1-based): chr2:178,565,618, T deleted on the plus strand (A on the coding strand, the reverse complement: TTN is on the minus strand). VCF-style (leftmost placement, unchanged base first): chr2-178565617-CT-C. GRCh37 (hg19) VCF-style: chr2-179430344-CT-C.
Other names: c.75591del, p.Val25198fs (NM_001256850.1); c.53319del, p.Val17774fs (NM_003319.4); c.72810del, p.Val24271fs (NM_133378.4); c.53694del, p.Val17899fs (NM_133432.3); c.53895del, p.Val17966fs (NM_133437.4); c.80514delA (NM_001267550.2); short protein forms V17774fs, V17899fs, V17966fs, V24271fs, V25198fs, V26839fs.
Identifiers: ClinVar variation 1065192 (VCV001065192.2), dbSNP rs2154164951, ClinGen allele CA2499215348.

ClinVar aggregate classification (germline): Pathogenic (1 of 4 stars; one submission).

Conditions:
Primary dilated cardiomyopathy (DCM). Also called: Dilated Cardiomyopathy. Identifiers: Orphanet 217604, MedGen C0007193, MeSH D002311, MONDO:0005021, HP:0001644. Inheritance: Various modes of inheritance.

Submission:

Loeys Lab, Universiteit Antwerpen
Classification: Pathogenic for Primary dilated cardiomyopathy. Last evaluated: 2021-02-26. Review status: criteria provided, single submitter. Criteria: ACMG Guidelines, 2015. Collection method: clinical testing. Allele origin: somatic. Affected: yes. Observed: 11 variant alleles, 11 heterozygotes.
Comment: This sequence change results in a truncating variant of the TTN gene (p.(Val26839Leufs*5))The variant is absent in population databases such as gnomAD (PM2). The variant has not been described before. Functional studies have not been performed. However truncating and frameshift mutations in TTN are a well-known mechanism for dilated cardiomyopathy (PMID: 22335739) (PVS1). The variant is located in the A-band of the titin-protein which is a known hotspot for pathogenic variants (PM1). This variant was identified in 2 unrelated patients with DCM, and co-segregated in one family with DCM (for the second family no data on cosegregation was available) (PP1). In conclusion this variant was classified as pathogenic according to ACMG-guidelines (PVS1, PM1, PM2, PP1).

Literature cited by the submitters: PubMed 22335739.